The following is an entry in ClinVar:

NM_005228.5(EGFR):c.3235G>A (p.Glu1079Lys)

Gene: EGFR (epidermal growth factor receptor; plus strand). Cytogenetic location: 7p11.2.
Variant type: single nucleotide variant.
Coding change: c.3235G>A on transcript NM_005228.5 (MANE Select); coding-DNA position 3235, G replaced by A.
Protein change: p.Glu1079Lys; replaces glutamic acid 1079 with lysine.
Molecular consequence: missense variant.
Genome position (GRCh38, 1-based): chr7:55,202,589, G>A. VCF-style: chr7-55202589-G-A. GRCh37 (hg19) VCF-style: chr7-55270282-G-A.
Other names: c.3100G>A, p.Glu1034Lys (NM_001346897.2, NM_001346899.2); c.3235G>A, p.Glu1079Lys (NM_001346898.2); c.3076G>A, p.Glu1026Lys (NM_001346900.2); c.2434G>A, p.Glu812Lys (NM_001346941.2); short protein forms E1026K, E1034K, E1079K, E812K.
Identifiers: ClinVar variation 999549 (VCV000999549.8), dbSNP rs1787897829, ClinGen allele CA367583430.
Genomic context (GRCh38, chr7:55,202,589, plus strand): 5'-CCCATCAAGGAAGACAGCTTCTTGCAGCGATACAGCTCAGACCCCACAGGCGCCTTGACT[G>A]AGGACAGCATAGACGACACCTTCCTCCCAGTGCCTGGTGAGTGGCTTGTCTGGAAACAGT-3'
Protein context (NP_005219.2, residues 1069-1089): YSSDPTGALT[Glu1079Lys]DSIDDTFLPV

ClinVar aggregate classification (germline): Uncertain significance (1 of 4 stars; one submission).

Conditions:
EGFR-related lung cancer (EGFR). Identifiers: MedGen CN130014.

Submission:

Labcorp Genetics (formerly Invitae), Labcorp
Classification: Uncertain significance for EGFR-related lung cancer. Last evaluated: 2020-07-12. Review status: criteria provided, single submitter. Criteria: Invitae Variant Classification Sherloc (09022015). Collection method: clinical testing. Allele origin: germline.
Comment: This variant is not present in population databases (ExAC no frequency). In summary, the available evidence is currently insufficient to determine the role of this variant in disease. Therefore, it has been classified as a Variant of Uncertain Significance. Algorithms developed to predict the effect of missense changes on protein structure and function (SIFT, PolyPhen-2, Align-GVGD) all suggest that this variant is likely to be tolerated, but these predictions have not been confirmed by published functional studies and their clinical significance is uncertain. This variant has not been reported in the literature in individuals with EGFR-related conditions. This sequence change replaces glutamic acid with lysine at codon 1079 of the EGFR protein (p.Glu1079Lys). The glutamic acid residue is moderately conserved and there is a small physicochemical difference between glutamic acid and lysine.